The following is an entry in ClinVar:

ClinVar aggregate classification (germline): Conflicting classifications of pathogenicity. Review status: criteria provided, conflicting classifications (1 of 4 stars). 3 submissions from 3 submitters: Uncertain significance (1); Benign (1); Likely benign (1). Last evaluated 2026-07-01.

Conditions:
Primary ciliary dyskinesia. Also called: Ciliary dyskinesia. Identifiers: Orphanet 244, MedGen C0008780, MONDO:0016575, HP:0012265.

Allele frequency attached by ClinVar (database versions not stated): ESP Exome Variant Server 0.00017.
gnomAD v4.1: 128 of 1,610,640 alleles (0.0079%); highest among the groups gnomAD compares: Non-Finnish European, 0.011%; no homozygotes.

Submissions (3):

CeGaT Center for Human Genetics Tuebingen
Classification: Likely benign. Last evaluated: 2026-07-01. Review status: criteria provided, single submitter. Criteria: CeGaT Center For Human Genetics Tuebingen Variant Classification Criteria Version 2. Collection method: clinical testing. Allele origin: germline. Affected: yes. Observed: 1 variant allele.
Comment: DNAH11: BP4

Labcorp Genetics (formerly Invitae), Labcorp
Classification: Benign for Primary ciliary dyskinesia. Last evaluated: 2025-09-14. Review status: criteria provided, single submitter. Criteria: Invitae Variant Classification Sherloc (09022015). Collection method: clinical testing. Allele origin: germline.

Ambry Genetics
Classification: Uncertain significance for Primary ciliary dyskinesia. Last evaluated: 2024-10-14. Review status: criteria provided, single submitter. Criteria: Ambry Variant Classification Scheme 2023. Collection method: clinical testing. Allele origin: germline.
Comment: The p.H3814Q variant (also known as c.11442C>G), located in coding exon 70 of the DNAH11 gene, results from a C to G substitution at nucleotide position 11442. The histidine at codon 3814 is replaced by glutamine, an amino acid with highly similar properties. This amino acid position is conserved. In addition, this alteration is predicted to be tolerated by in silico analysis. Based on the available evidence, the clinical significance of this variant remains unclear.

NM_001277115.2(DNAH11):c.11442C>G (p.His3814Gln)

Gene: DNAH11 (dynein axonemal heavy chain 11; plus strand). Cytogenetic location: 7p15.3.
Variant type: single nucleotide variant.
Coding change: c.11442C>G on transcript NM_001277115.2 (MANE Select); coding-DNA position 11442, C replaced by G.
Protein change: p.His3814Gln; replaces histidine 3814 with glutamine.
Molecular consequence: missense variant.
Genome position (GRCh38, 1-based): chr7:21,864,603, C>G. VCF-style: chr7-21864603-C-G. GRCh37 (hg19) VCF-style: chr7-21904221-C-G.
Other names: c.11442C>G (NM_001277115.1); c.11463C>G, p.His3821Gln (NM_003777.3); short protein forms H3821Q, H3814Q.
Identifiers: ClinVar variation 2890782 (VCV002890782.5), dbSNP rs370056975, ClinGen allele CA4182749.